The following is an entry in ClinVar:

ClinVar aggregate classification (germline): Uncertain significance (1 of 4 stars; one submission).

Conditions:
Methylmalonic acidemia with homocystinuria, type cblX (MAHCX). Also called: INTELLECTUAL DEVELOPMENTAL DISORDER, X-LINKED 3. Identifiers: Orphanet 369962, MedGen C0796208, MONDO:0010657, OMIM 309541.

Allele frequency attached by ClinVar (database versions not stated): gnomAD exomes below 0.00001.
gnomAD v4.1: 2 of 1,192,803 alleles (0.00017%); highest among the groups gnomAD compares: Non-Finnish European, 0.00011%; no homozygotes.

Submission:

Baylor Genetics
Classification: Uncertain significance for Methylmalonic acidemia with homocystinuria, type cblX. Last evaluated: 2019-02-13. Review status: criteria provided, single submitter. Criteria: ACMG Guidelines, 2015. Collection method: clinical testing. Allele origin: unknown. Affected: yes.
Comment: This variant was determined to be of uncertain significance according to ACMG Guidelines, 2015 [PMID:25741868].

NM_005334.3(HCFC1):c.5053G>A (p.Val1685Met)

Gene: HCFC1 (host cell factor C1; minus strand). Cytogenetic location: Xq28.
Variant type: single nucleotide variant.
Coding change: c.5053G>A on transcript NM_005334.3 (MANE Select); coding-DNA position 5053, G replaced by A.
Protein change: p.Val1685Met; replaces valine 1685 with methionine.
Molecular consequence: missense variant.
Genome position (GRCh38, 1-based): chrX:153,952,048, C>T on the plus strand (G>A on the coding strand, the complement: HCFC1 is on the minus strand). VCF-style: chrX-153952048-C-T. GRCh37 (hg19) VCF-style: chrX-153217499-C-T.
Other names: short protein forms V1685M.
Identifiers: ClinVar variation 1028364 (VCV001028364.1), dbSNP rs2065317868, ClinGen allele CA415107882.
Genomic context (GRCh38, chrX:153,952,048, plus strand): 5'-CCTGGGCCTCCTGCAGCTGCTGCTGCTGCACCAGGGCAGCCAGCTCCTGCTGTGTCAGCA[C>T]AATGGGTATGGTGGTGGCCTGGCCCTCCTGACCCTCGGCCGACAGGTGCCCCAGCTCCGC-3'
Protein context (NP_005325.2, residues 1675-1695): QEGQATTIPI[Val1685Met]LTQQELAALV